The following is an entry in ClinVar:

ClinVar aggregate classification (germline): Uncertain significance (1 of 4 stars; one submission).

Allele frequency attached by ClinVar (database versions not stated): gnomAD exomes below 0.00001; ExAC 0.00001.

Submission:

Labcorp Genetics (formerly Invitae), Labcorp
Classification: Uncertain significance. Last evaluated: 2021-12-02. Review status: criteria provided, single submitter. Criteria: Invitae Variant Classification Sherloc (09022015). Collection method: clinical testing. Allele origin: germline.
Comment: This sequence change replaces lysine, which is basic and polar, with threonine, which is neutral and polar, at codon 375 of the DOCK6 protein (p.Lys375Thr). This variant is present in population databases (rs764357087, gnomAD 0.0009%). This variant has not been reported in the literature in individuals affected with DOCK6-related conditions. Algorithms developed to predict the effect of missense changes on protein structure and function are either unavailable or do not agree on the potential impact of this missense change (SIFT: "Deleterious"; PolyPhen-2: "Possibly Damaging"; Align-GVGD: "Class C0"). In summary, the available evidence is currently insufficient to determine the role of this variant in disease. Therefore, it has been classified as a Variant of Uncertain Significance.

NM_020812.4(DOCK6):c.1124A>C (p.Lys375Thr)

Gene: DOCK6 (dedicator of cytokinesis 6; minus strand). Cytogenetic location: 19p13.2.
Variant type: single nucleotide variant.
Coding change: c.1124A>C on transcript NM_020812.4 (MANE Select); coding-DNA position 1124, A replaced by C.
Protein change: p.Lys375Thr; replaces lysine 375 with threonine.
Molecular consequence: missense variant.
Genome position (GRCh38, 1-based): chr19:11,243,691, T>G on the plus strand (A>C on the coding strand, the complement: DOCK6 is on the minus strand). VCF-style: chr19-11243691-T-G. GRCh37 (hg19) VCF-style: chr19-11354367-T-G.
Other names: c.1124A>C, p.Lys375Thr (NM_001367830.1); short protein forms K375T.
Identifiers: ClinVar variation 1394498 (VCV001394498.8), dbSNP rs764357087, ClinGen allele CA9208240.